The following is an entry in ClinVar:

NM_000051.4(ATM):c.8731A>C (p.Thr2911Pro)

Genes: ATM (ATM serine/threonine kinase; plus strand), C11orf65 (chromosome 11 open reading frame 65; minus strand). Cytogenetic location: 11q22.3.
Variant type: single nucleotide variant.
Coding change: c.8731A>C on transcript NM_000051.4 (MANE Select); coding-DNA position 8731, A replaced by C.
Protein change: p.Thr2911Pro; replaces threonine 2911 with proline.
Molecular consequence: missense variant. On other transcripts: intron variant (2).
Genome position (GRCh38, 1-based): chr11:108,353,825, A>C. VCF-style: chr11-108353825-A-C. GRCh37 (hg19) VCF-style: chr11-108224552-A-C.
Other names: c.8731A>C, p.Thr2911Pro (NM_001351834.2); c.640+32095T>G (NM_001330368.2); c.695-18533T>G (NM_001351110.2); short protein forms T2911P.
Identifiers: ClinVar variation 482628 (VCV000482628.16), dbSNP rs786203271, ClinGen allele CA382523911.
Genomic context (GRCh38, chr11:108,353,825, plus strand): 5'-GGTGTTGCTTTTGAACAGGGCAAAATCCTTCCTACTCCTGAGACAGTTCCTTTTAGACTC[A>C]CCAGAGATATTGTGGATGGCATGGGCATTACGGGTGTTGAAGGTGTCTTCAGAAGGTAAG-3'
Protein context (NP_000042.3, residues 2901-2921): PTPETVPFRL[Thr2911Pro]RDIVDGMGIT

ClinVar aggregate classification (germline): Uncertain significance. Review status: criteria provided, multiple submitters, no conflicts (2 of 4 stars). 3 submissions from 3 submitters: Uncertain significance (3). Last evaluated 2025-12-28.

Conditions:
Hereditary cancer-predisposing syndrome. Also called: Neoplastic Syndromes, Hereditary; Hereditary Cancer Syndrome; Tumor predisposition; Hereditary neoplastic syndrome. Identifiers: Orphanet 140162, MedGen C0027672, MeSH D009386, MONDO:0015356.
Ataxia-telangiectasia syndrome (AT). Also called: LOUIS-BAR SYNDROME; Cerebello-oculocutaneous telangiectasia; Immunodeficiency with ataxia telangiectasia; Ataxia-telangiectasia, complementation group D; AT, COMPLEMENTATION GROUP C; Ataxia-telangiectasia, complementation group E. Identifiers: Orphanet 100, MedGen C0004135, MONDO:0008840, OMIM 208900.

Submissions (3):

Women's Health and Genetics/Laboratory Corporation of America, LabCorp
Classification: Uncertain significance. Last evaluated: 2025-12-28. Review status: criteria provided, single submitter. Criteria: LabCorp Variant Classification Summary - May 2015. Collection method: clinical testing. Allele origin: germline.
Comment: Variant summary: ATM c.8731A>C (p.Thr2911Pro) results in a non-conservative amino acid change in the encoded protein sequence. Algorithms developed to predict the effect of missense changes on protein structure and function all suggest that this variant is likely to be disruptive. The variant was absent in 251450 control chromosomes. The available data on variant occurrences in the general population are insufficient to allow any conclusion about variant significance. c.8731A>C has been observed in individual(s) affected with Ataxia-telangiectasia syndrome (Kuzmenko_2024, Rozevska_2025). These data do not allow any conclusion about variant significance. To our knowledge, no experimental evidence demonstrating an impact on protein function has been reported. The following publications have been ascertained in the context of this evaluation (PMID: 39052144, 40226629). ClinVar contains an entry for this variant (Variation ID: 482628). Based on the evidence outlined above, the variant was classified as uncertain significance.

Ambry Genetics
Classification: Uncertain significance for Hereditary cancer-predisposing syndrome. Last evaluated: 2025-06-06. Review status: criteria provided, single submitter. Criteria: Ambry Variant Classification Scheme 2023. Collection method: clinical testing. Allele origin: germline.
Comment: The p.T2911P variant (also known as c.8731A>C), located in coding exon 59 of the ATM gene, results from an A to C substitution at nucleotide position 8731. The threonine at codon 2911 is replaced by proline, an amino acid with highly similar properties. This alteration was identified in an individual diagnosed with ataxia telangiectasia in conjunction with another mutation in the ATM gene; however, the phase was not determined (Prokofjeva T et al. J Clin Immunol, 2022 05;42:876-879). This amino acid position is not well conserved in available vertebrate species. In addition, this alteration is predicted to be deleterious by in silico analysis. Based on the available evidence, the clinical significance of this variant remains unclear.

Labcorp Genetics (formerly Invitae), Labcorp
Classification: Uncertain significance for Ataxia-telangiectasia syndrome. Last evaluated: 2024-04-10. Review status: criteria provided, single submitter. Criteria: Invitae Variant Classification Sherloc (09022015). Collection method: clinical testing. Allele origin: germline.
Comment: This sequence change replaces threonine, which is neutral and polar, with proline, which is neutral and non-polar, at codon 2911 of the ATM protein (p.Thr2911Pro). This variant is not present in population databases (gnomAD no frequency). This variant has not been reported in the literature in individuals affected with ATM-related conditions. ClinVar contains an entry for this variant (Variation ID: 482628). An algorithm developed to predict the effect of missense changes on protein structure and function (PolyPhen-2) suggests that this variant is likely to be disruptive. In summary, the available evidence is currently insufficient to determine the role of this variant in disease. Therefore, it has been classified as a Variant of Uncertain Significance.

Literature cited by the submitters: PubMed 39052144 (cited by Women's Health and Genetics/Laboratory Corporation of America, LabCorp); PubMed 40226629 (cited by Women's Health and Genetics/Laboratory Corporation of America, LabCorp); PubMed 35201558 (cited by Ambry Genetics).